The following is an entry in ClinVar:

ClinVar aggregate classification (germline): Likely benign. Review status: criteria provided, single submitter (1 of 4 stars). 2 submissions from 2 submitters: Likely benign (1). 1 of the submissions does not count toward it. Last evaluated 2023-12-30.

Conditions:
FLVCR2-related disorder. Also called: FLVCR2-related condition.

Allele frequency attached by ClinVar (database versions not stated): TOPMed below 0.00001.

Submissions (2):

Labcorp Genetics (formerly Invitae), Labcorp
Classification: Likely benign. Last evaluated: 2023-12-30. Review status: criteria provided, single submitter. Criteria: Invitae Variant Classification Sherloc (09022015). Collection method: clinical testing. Allele origin: germline.

PreventionGenetics, part of Exact Sciences
Classification: Likely benign for FLVCR2-related condition. Last evaluated: 2021-08-06. Review status: no assertion criteria provided. Collection method: clinical testing. Allele origin: germline. Not counted in ClinVar's aggregate classification.
Comment: This variant is classified as likely benign based on ACMG/AMP sequence variant interpretation guidelines (Richards et al. 2015 PMID: 25741868, with internal and published modifications).

NM_017791.3(FLVCR2):c.618C>T (p.Phe206=)

Gene: FLVCR2 (FLVCR choline and putative heme transporter 2; plus strand). Cytogenetic location: 14q24.3.
Variant type: single nucleotide variant.
Coding change: c.618C>T on transcript NM_017791.3 (MANE Select); coding-DNA position 618, C replaced by T.
Protein change: p.Phe206=; no amino-acid change (phenylalanine 206 retained).
Molecular consequence: synonymous variant.
Genome position (GRCh38, 1-based): chr14:75,579,590, C>T. VCF-style: chr14-75579590-C-T. GRCh37 (hg19) VCF-style: chr14-76045933-C-T.
Other names: c.618C>T (NM_017791.2).
Identifiers: ClinVar variation 2861290 (VCV002861290.5), dbSNP rs1354620892, ClinGen allele CA487184809.